The following is an entry in ClinVar:

NM_000059.4(BRCA2):c.9948del (p.Glu3316fs)

Gene: BRCA2 (BRCA2 DNA repair associated; plus strand). Cytogenetic location: 13q13.1.
Variant type: Deletion.
Coding change: c.9948del on transcript NM_000059.4 (MANE Select); coding-DNA position 9948, one base deleted (A; older notation c.9948delA).
Protein change: p.Glu3316fs; shifts the reading frame from glutamic acid 3316.
Molecular consequence: frameshift variant. On other transcripts: non-coding transcript variant (1).
Genome position (GRCh38, 1-based): chr13:32,398,461, A deleted; the last of 2 consecutive A bases (chr13:32,398,460-32,398,461); deleting either gives the same sequence. VCF-style (leftmost placement, unchanged base first): chr13-32398459-GA-G. GRCh37 (hg19) VCF-style: chr13-32972596-GA-G.
Other names: c.9852del, p.Glu3284fs (NM_001406719.1); c.9897del, p.Glu3299fs (NM_001406720.1); c.5016del, p.Glu1672fs (NM_001406721.1); c.3531del, p.Glu1177fs (NM_001406722.1); c.9948del, p.Glu3316fs (NM_001432077.1); short protein forms E1177fs, E1672fs, E3284fs, E3299fs, E3316fs.
Identifiers: ClinVar variation 4759170 (VCV004759170.1).
Genomic context (GRCh38, chr13:32,398,459, plus strand): 5'-AAGGCATTTCAGCCACCAAGGAGTTGTGGCACCAAATACGAAACACCCATAAAGAAAAAA[GA>G]ACTGAATTCTCCTCAGATGACTCCATTTAAAAAATTCAATGAAATTTCTCTTTTGGAAAG-3'

ClinVar aggregate classification (germline): Uncertain significance (1 of 4 stars; one submission).

Conditions:
Hereditary cancer-predisposing syndrome. Also called: Neoplastic Syndromes, Hereditary; Hereditary neoplastic syndrome; Tumor predisposition; Hereditary Cancer Syndrome. Identifiers: Orphanet 140162, MedGen C0027672, MeSH D009386, MONDO:0015356.

Submission:

Color Diagnostics, LLC DBA Color Health
Classification: Uncertain significance for Hereditary cancer-predisposing syndrome. Last evaluated: 2025-11-24. Review status: criteria provided, single submitter. Criteria: ACMG Guidelines, 2015. Collection method: clinical testing. Allele origin: germline.
Comment: This variant deletes 1 nucleotide in exon 27 of the BRCA2 gene, creating a frameshift and premature translation stop signal. This truncation is not expected to trigger nonsense-mediated decay. This variant has not been reported in functional studies. However, a similar truncation, c.9945del (p.Glu3316Asnfs*2), is reported to have intermediate activities in complementation of cell viability, sensitivity to DNA damaging agents and homology-directed DNA repair assays with repair activity that are comparable to likely neutral control variants (PMID: 18607349, 29988080). To our knowledge, this variant has not been reported in individuals affected with BRCA2-related disorders in the literature. This variant has not been identified in the general population by the Genome Aggregation Database (gnomAD). Loss of BRCA2 function is a known mechanism of disease. The available evidence is insufficient to determine the role of this variant in disease conclusively. Therefore, this variant is classified as a Variant of Uncertain Significance.

Literature cited by the submitters: PubMed 18607349; PubMed 29988080.